The following is an entry in ClinVar:

NM_145331.3(MAP3K7):c.388G>A (p.Ala130Thr)

Gene: MAP3K7 (mitogen-activated protein kinase kinase kinase 7; minus strand). Cytogenetic location: 6q15.
Variant type: single nucleotide variant.
Coding change: c.388G>A on transcript NM_145331.3 (MANE Select); coding-DNA position 388, G replaced by A.
Protein change: p.Ala130Thr; replaces alanine 130 with threonine.
Molecular consequence: missense variant.
Genome position (GRCh38, 1-based): chr6:90,560,170, C>T on the plus strand (G>A on the coding strand, the complement: MAP3K7 is on the minus strand). VCF-style: chr6-90560170-C-T. GRCh37 (hg19) VCF-style: chr6-91269889-C-T.
Other names: c.388G>A, p.Ala130Thr (NM_003188.4, NM_145332.3, NM_145333.3); short protein forms A130T.
Identifiers: ClinVar variation 1984483 (VCV001984483.3), dbSNP rs139832891, ClinGen allele CA3928657.

ClinVar aggregate classification (germline): Uncertain significance (1 of 4 stars; one submission).

Allele frequency attached by ClinVar (database versions not stated): gnomAD exomes 0.00001; ExAC 0.00002; TOPMed 0.00002; gnomAD 0.00003; ESP Exome Variant Server 0.00008; 1000 Genomes Project 0.00020; 1000 Genomes Project 30x 0.00031.

Submission:

Labcorp Genetics (formerly Invitae), Labcorp
Classification: Uncertain significance. Last evaluated: 2022-06-03. Review status: criteria provided, single submitter. Criteria: Invitae Variant Classification Sherloc (09022015). Collection method: clinical testing. Allele origin: germline.
Comment: In summary, the available evidence is currently insufficient to determine the role of this variant in disease. Therefore, it has been classified as a Variant of Uncertain Significance. Algorithms developed to predict the effect of missense changes on protein structure and function are either unavailable or do not agree on the potential impact of this missense change (SIFT: "Deleterious"; PolyPhen-2: "Probably Damaging"; Align-GVGD: "Class C0"). This variant has not been reported in the literature in individuals affected with MAP3K7-related conditions. This variant is present in population databases (rs139832891, gnomAD 0.02%). This sequence change replaces alanine, which is neutral and non-polar, with threonine, which is neutral and polar, at codon 130 of the MAP3K7 protein (p.Ala130Thr).